The following is an entry in ClinVar:

NM_025000.4(DCAF17):c.948T>C (p.Val316=)

Gene: DCAF17 (DDB1 and CUL4 associated factor 17; plus strand). Cytogenetic location: 2q31.1.
Variant type: single nucleotide variant.
Coding change: c.948T>C on transcript NM_025000.4 (MANE Select); coding-DNA position 948, T replaced by C.
Protein change: p.Val316=; no amino-acid change (valine 316 retained).
Molecular consequence: synonymous variant. On other transcripts: non-coding transcript variant (1).
Genome position (GRCh38, 1-based): chr2:171,468,997, T>C. VCF-style: chr2-171468997-T-C. GRCh37 (hg19) VCF-style: chr2-172325507-T-C.
Other names: c.948T>C (NM_025000.3); c.948T>C, p.Val316= (NM_001164821.2).
Identifiers: ClinVar variation 2748856 (VCV002748856.4), dbSNP rs1696081783, ClinGen allele CA429774071.

ClinVar aggregate classification (germline): Likely benign. Review status: criteria provided, multiple submitters, no conflicts (2 of 4 stars). 2 submissions from 2 submitters: Likely benign (2). Last evaluated 2025-09-22.

Conditions:
DCAF17-related disorder. Also called: DCAF17-related condition.
Woodhouse-Sakati syndrome. Also called: Hypogonadism, Alopecia, Diabetes Mellitus, Mental Retardation, and Extrapyramidal Syndrome; Hypogonadism, diabetes mellitus, alopecia, mental retardation and electrocardiographic abnormalities; EXTRAPYRAMIDAL DISORDER, PROGRESSIVE, WITH PRIMARY HYPOGONADISM, MENTAL RETARDATION, AND ALOPECIA. Identifiers: Orphanet 3464, MedGen C0342286, MONDO:0009419, OMIM 241080.

Allele frequency attached by ClinVar (database versions not stated): gnomAD exomes below 0.00001.
gnomAD v4.1: 6 of 1,614,098 alleles (0.00037%); highest among the groups gnomAD compares: Non-Finnish European, 0.00051%; no homozygotes.

Submissions (2):

PreventionGenetics, part of Exact Sciences
Classification: Likely benign for DCAF17-related condition. Last evaluated: 2025-09-22. Review status: criteria provided, single submitter. Criteria: ACMG Guidelines, 2015. Collection method: clinical testing. Allele origin: germline.
Comment: This variant is classified as likely benign based on ACMG/AMP sequence variant interpretation guidelines (Richards et al. 2015 PMID: 25741868, with internal and published modifications).

Labcorp Genetics (formerly Invitae), Labcorp
Classification: Likely benign for Woodhouse-Sakati syndrome. Last evaluated: 2024-10-23. Review status: criteria provided, single submitter. Criteria: Invitae Variant Classification Sherloc (09022015). Collection method: clinical testing. Allele origin: germline.